The following is an entry in ClinVar:

NM_021072.4(HCN1):c.203GCG[9] (p.Gly73_Gly74dup)

Gene: HCN1 (hyperpolarization activated cyclic nucleotide gated potassium channel 1; minus strand). Cytogenetic location: 5p12.
Variant type: Microsatellite.
Coding change: c.203GCG[9] on transcript NM_021072.4 (MANE Select); nine copies in a row of the 3-base unit GCG starting at c.203; the reference has seven copies in a row; two copies, 6 bases duplicated; also written c.218_223dup.
Protein change: p.Gly73_Gly74dup.
Molecular consequence: inframe insertion.
Genome position (GRCh38, 1-based): chr5:45,695,871-45,695,876, CGCCGC duplicated on the plus strand (GCGGCG on the coding strand, the reverse complement: HCN1 is on the minus strand); duplicating any 6 consecutive bases within chr5:45,695,871-45,695,892 gives the same sequence; the position shown is the placement nearest the transcript's 3' end. VCF-style (leftmost placement, unchanged base first): chr5-45695870-T-TCGCCGC. GRCh37 (hg19) VCF-style: chr5-45695972-T-TCGCCGC.
Other names: c.218_223dup (NM_021072.3, NM_021072.4).
Identifiers: ClinVar variation 647637 (VCV000647637.17), dbSNP rs747975797, ClinGen allele CA3259501.

ClinVar aggregate classification (germline): Conflicting classifications of pathogenicity. Review status: criteria provided, conflicting classifications (1 of 4 stars). 4 submissions from 4 submitters: Uncertain significance (3); Likely benign (1). Last evaluated 2026-04-27.

Conditions:
Early-infantile DEE. Also called: Early infantile epileptic encephalopathy with suppression bursts; Ohtahara syndrome; Early infantile epileptic encephalopathy. Identifiers: Orphanet 1934, MedGen C0393706, MONDO:0800491.
Developmental and epileptic encephalopathy, 24 (DEE24). Also called: Epileptic encephalopathy, early infantile, 24. Identifiers: Orphanet 442835, MedGen C4014531, MONDO:0014377, OMIM 615871.

Submissions (4):

Centre for Medical Genetics,  Mumbai
Classification: Likely benign for Developmental and epileptic encephalopathy, 24. Last evaluated: 2026-04-27. Review status: criteria provided, single submitter. Criteria: ACMG Guidelines, 2015. Collection method: provider interpretation. Allele origin: germline. Inheritance: Autosomal dominant inheritance. Affected: no. Observed: 1 variant allele, 1 heterozygote.
Comment: The variant satisfies PM2 criteria - extremely low frequency in gnomAD population databases. The variant satisfies PM4 criteria - protein length changes resulting from in-frame deletions/insertions in a non-repeat region or a stop-loss variant. However, the variant satisfies BS2 criteria - present in heterozygous state in an individual that clinically does not have Developmental and epileptic encephalopathy 24.

Labcorp Genetics (formerly Invitae), Labcorp
Classification: Uncertain significance for Early-infantile DEE. Last evaluated: 2025-12-08. Review status: criteria provided, single submitter. Criteria: Invitae Variant Classification Sherloc (09022015). Collection method: clinical testing. Allele origin: germline.
Comment: This variant, c.218_223dup, results in the insertion of 2 amino acid(s) of the HCN1 protein (p.Gly73_Gly74dup), but otherwise preserves the integrity of the reading frame. The frequency data for this variant in the population databases is considered unreliable, as metrics indicate poor data quality at this position in the gnomAD database. This variant has not been reported in the literature in individuals affected with HCN1-related conditions. This variant has been observed in at least one individual who was not affected with HCN1-related conditions (internal data). ClinVar contains an entry for this variant (Variation ID: 647637). Experimental studies and prediction algorithms are not available or were not evaluated, and the functional significance of this variant is currently unknown. In summary, the available evidence is currently insufficient to determine the role of this variant in disease. Therefore, it has been classified as a Variant of Uncertain Significance.

GeneDx
Classification: Uncertain significance. Last evaluated: 2025-07-02. Review status: criteria provided, single submitter. Criteria: GeneDx Variant Classification Process June 2021. Collection method: clinical testing. Allele origin: germline.
Comment: In-frame duplication of 2 amino acids in a non-repeat region; Has not been previously published as pathogenic or benign to our knowledge

Revvity Omics, Revvity
Classification: Uncertain significance. Last evaluated: 2020-11-17. Review status: criteria provided, single submitter. Criteria: ACMG Guidelines, 2015. Collection method: clinical testing. Allele origin: germline.

Literature cited by the submitters: PubMed 24747641 (cited by Centre for Medical Genetics,  Mumbai).